The following is an entry in ClinVar:

NM_006073.4(TRDN):c.366T>A (p.Asp122Glu)

Gene: TRDN (triadin; minus strand). Cytogenetic location: 6q22.31.
Variant type: single nucleotide variant.
Coding change: c.366T>A on transcript NM_006073.4 (MANE Select); coding-DNA position 366, T replaced by A.
Protein change: p.Asp122Glu; replaces aspartic acid 122 with glutamic acid.
Molecular consequence: missense variant.
Genome position (GRCh38, 1-based): chr6:123,548,479, A>T on the plus strand (T>A on the coding strand, the complement: TRDN is on the minus strand). VCF-style: chr6-123548479-A-T. GRCh37 (hg19) VCF-style: chr6-123869624-A-T.
Other names: c.366T>A, p.Asp122Glu (NM_001251987.2, NM_001256020.2, NM_001256021.2 and 2 more transcripts); short protein forms D122E.
Identifiers: ClinVar variation 1733777 (VCV001733777.3), dbSNP rs777918334, ClinGen allele CA3984410.

ClinVar aggregate classification (germline): Uncertain significance (1 of 4 stars; one submission).

Conditions:
Cardiovascular phenotype. Identifiers: MedGen CN230736.

Allele frequency attached by ClinVar (database versions not stated): gnomAD 0.00001; TOPMed 0.00001.
gnomAD v4.1: 2 of 1,573,848 alleles (0.00013%); highest among the groups gnomAD compares: Non-Finnish European, 0.00017%; no homozygotes.

Submission:

Ambry Genetics
Classification: Uncertain significance for Cardiovascular phenotype. Last evaluated: 2025-11-02. Review status: criteria provided, single submitter. Criteria: Ambry Variant Classification Scheme 2023. Collection method: clinical testing. Allele origin: germline.
Comment: The p.D122E variant (also known as c.366T>A), located in coding exon 3 of the TRDN gene, results from a T to A substitution at nucleotide position 366. The aspartic acid at codon 122 is replaced by glutamic acid, an amino acid with highly similar properties. This amino acid position is conserved. In addition, this alteration is predicted to be tolerated by in silico analysis. Since supporting evidence is limited at this time, the clinical significance of this alteration remains unclear.